The following is an entry in ClinVar:

NM_001365480.1(CCDC88A):c.851T>C (p.Met284Thr)

Gene: CCDC88A (coiled-coil and HOOK domain protein 88A; minus strand). Cytogenetic location: 2p16.1.
Variant type: single nucleotide variant.
Coding change: c.851T>C on transcript NM_001365480.1 (MANE Select); coding-DNA position 851, T replaced by C.
Protein change: p.Met284Thr; replaces methionine 284 with threonine.
Molecular consequence: missense variant.
Genome position (GRCh38, 1-based): chr2:55,349,549, A>G on the plus strand (T>C on the coding strand, the complement: CCDC88A is on the minus strand). VCF-style: chr2-55349549-A-G. GRCh37 (hg19) VCF-style: chr2-55576685-A-G.
Other names: c.851T>C, p.Met284Thr (NM_001135597.2, NM_001254943.2, NM_018084.5); c.851T>C (NM_001135597.1); short protein forms M284T.
Identifiers: ClinVar variation 1496143 (VCV001496143.6), dbSNP rs781340090, ClinGen allele CA1666272.

ClinVar aggregate classification (germline): Uncertain significance. Review status: criteria provided, multiple submitters, no conflicts (2 of 4 stars). 2 submissions from 2 submitters: Uncertain significance (2). Last evaluated 2025-10-07.

Allele frequency attached by ClinVar (database versions not stated): TOPMed 0.00001; gnomAD exomes 0.00001; ExAC 0.00001; gnomAD 0.00001.
gnomAD v4.1: 11 of 1,612,918 alleles (0.00068%); highest among the groups gnomAD compares: Non-Finnish European, 0.00093%; no homozygotes.

Submissions (2):

Ambry Genetics
Classification: Uncertain significance. Last evaluated: 2025-10-07. Review status: criteria provided, single submitter. Criteria: Ambry Variant Classification Scheme 2023. Collection method: clinical testing. Allele origin: germline.

Labcorp Genetics (formerly Invitae), Labcorp
Classification: Uncertain significance. Last evaluated: 2021-09-24. Review status: criteria provided, single submitter. Criteria: Invitae Variant Classification Sherloc (09022015). Collection method: clinical testing. Allele origin: germline.
Comment: This sequence change replaces methionine with threonine at codon 284 of the CCDC88A protein (p.Met284Thr). The methionine residue is weakly conserved and there is a moderate physicochemical difference between methionine and threonine. This variant is present in population databases (rs781340090, ExAC 0.001%). This variant has not been reported in the literature in individuals with CCDC88A-related conditions. Algorithms developed to predict the effect of missense changes on protein structure and function (SIFT, PolyPhen-2, Align-GVGD) all suggest that this variant is likely to be tolerated, but these predictions have not been confirmed by published functional studies and their clinical significance is uncertain. In summary, the available evidence is currently insufficient to determine the role of this variant in disease. Therefore, it has been classified as a Variant of Uncertain Significance.